The following is an entry in ClinVar:

NM_024408.4(NOTCH2):c.4023G>T (p.Arg1341Ser)

Gene: NOTCH2 (notch receptor 2; minus strand). Cytogenetic location: 1p12.
Variant type: single nucleotide variant.
Coding change: c.4023G>T on transcript NM_024408.4 (MANE Select); coding-DNA position 4023, G replaced by T.
Protein change: p.Arg1341Ser; replaces arginine 1341 with serine.
Molecular consequence: missense variant.
Genome position (GRCh38, 1-based): chr1:119,925,793, C>A on the plus strand (G>T on the coding strand, the complement: NOTCH2 is on the minus strand). VCF-style: chr1-119925793-C-A. GRCh37 (hg19) VCF-style: chr1-120468416-C-A.
Other names: short protein forms R1341S.
Identifiers: ClinVar variation 2776504 (VCV002776504.3), dbSNP rs1043834394, ClinGen allele CA341891378.

ClinVar aggregate classification (germline): Uncertain significance (1 of 4 stars; one submission).

Conditions:
Hajdu-Cheney syndrome (HJCYS). Also called: ACROOSTEOLYSIS WITH OSTEOPOROSIS AND CHANGES IN SKULL AND MANDIBLE; SERPENTINE FIBULA-POLYCYSTIC KIDNEY SYNDROME; Acroosteolysis dominant type. Identifiers: Orphanet 955, MedGen C0917715, MONDO:0007057, OMIM 102500.

gnomAD v4.1: 1 of 1,614,096 alleles (0.000062%); highest among the groups gnomAD compares: Non-Finnish European, 0.000085%; no homozygotes.

Submission:

Labcorp Genetics (formerly Invitae), Labcorp
Classification: Uncertain significance for Hajdu-Cheney syndrome. Last evaluated: 2023-08-04. Review status: criteria provided, single submitter. Criteria: Invitae Variant Classification Sherloc (09022015). Collection method: clinical testing. Allele origin: germline.
Comment: In summary, the available evidence is currently insufficient to determine the role of this variant in disease. Therefore, it has been classified as a Variant of Uncertain Significance. Advanced modeling of protein sequence and biophysical properties (such as structural, functional, and spatial information, amino acid conservation, physicochemical variation, residue mobility, and thermodynamic stability) performed at Invitae indicates that this missense variant is not expected to disrupt NOTCH2 protein function. This variant has not been reported in the literature in individuals affected with NOTCH2-related conditions. This variant is not present in population databases (gnomAD no frequency). This sequence change replaces arginine, which is basic and polar, with serine, which is neutral and polar, at codon 1341 of the NOTCH2 protein (p.Arg1341Ser).